The following is an entry in ClinVar:

ClinVar aggregate classification (germline): Conflicting classifications of pathogenicity. Review status: criteria provided, conflicting classifications (1 of 4 stars). 3 submissions from 3 submitters: Uncertain significance (1); Likely benign (1). 1 of the submissions does not count toward it. Last evaluated 2025-10-02.

Conditions:
EYA1-related disorder. Also called: EYA1-related condition.
Melnick-Fraser syndrome (BOR). Also called: Branchio-oto-renal syndrome; Branchiootorenal Syndrome (BORS); Branchiootorenal syndrome. Identifiers: Orphanet 107, MedGen C0265234, MONDO:0007029.

Allele frequency attached by ClinVar (database versions not stated): TOPMed 0.00001.
gnomAD v4.1: 3 of 1,614,230 alleles (0.00019%); highest among the groups gnomAD compares: Admixed American, 0.0017%; no homozygotes.

Submissions (3):

Labcorp Genetics (formerly Invitae), Labcorp
Classification: Likely benign for Melnick-Fraser syndrome. Last evaluated: 2025-10-02. Review status: criteria provided, single submitter. Criteria: Invitae Variant Classification Sherloc (09022015). Collection method: clinical testing. Allele origin: germline.

GeneDx
Classification: Uncertain significance. Last evaluated: 2023-02-17. Review status: criteria provided, single submitter. Criteria: GeneDx Variant Classification Process June 2021. Collection method: clinical testing. Allele origin: germline. Affected: yes.
Comment: Not observed at significant frequency in large population cohorts (gnomAD); In silico analysis supports that this missense variant has a deleterious effect on protein structure/function; Has not been previously published as pathogenic or benign to our knowledge

PreventionGenetics, part of Exact Sciences
Classification: Uncertain significance for EYA1-related condition. Last evaluated: 2024-05-31. Review status: no assertion criteria provided. Collection method: clinical testing. Allele origin: germline. Not counted in ClinVar's aggregate classification.
Comment: The EYA1 c.296C>T variant is predicted to result in the amino acid substitution p.Pro99Leu. To our knowledge, this variant has not been reported in the literature. This variant is reported in 0.0028% of alleles in individuals of Latino descent in gnomAD. At this time, the clinical significance of this variant is uncertain due to the absence of conclusive functional and genetic evidence.

NM_000503.6(EYA1):c.296C>T (p.Pro99Leu)

Gene: EYA1 (EYA transcriptional coactivator and phosphatase 1; minus strand). Cytogenetic location: 8q13.3.
Variant type: single nucleotide variant.
Coding change: c.296C>T on transcript NM_000503.6 (MANE Select); coding-DNA position 296, C replaced by T.
Protein change: p.Pro99Leu; replaces proline 99 with leucine.
Molecular consequence: missense variant. On other transcripts: intron variant (1).
Genome position (GRCh38, 1-based): chr8:71,321,856, G>A on the plus strand (C>T on the coding strand, the complement: EYA1 is on the minus strand). VCF-style: chr8-71321856-G-A. GRCh37 (hg19) VCF-style: chr8-72234091-G-A.
Other names: c.293C>T, p.Pro98Leu (NM_001288574.2); c.383C>T, p.Pro128Leu (NM_001370333.1, NM_172059.5); c.296C>T, p.Pro99Leu (NM_001370334.1, NM_001370335.1, NM_172058.4); c.380C>T, p.Pro127Leu (NM_001370336.1); c.197C>T, p.Pro66Leu (NM_001411797.1, NM_172060.4); c.-12-44C>T (NM_001288575.2); c.296C>T (NM_172058.3); short protein forms P127L, P128L, P66L, P98L, P99L.
Identifiers: ClinVar variation 2577742 (VCV002577742.5), dbSNP rs763005068, ClinGen allele CA371468673.